The following is an entry in ClinVar:

NM_001128431.4(SLC39A14):c.23C>G (p.Pro8Arg)

Gene: SLC39A14 (solute carrier family 39 member 14; plus strand). Cytogenetic location: 8p21.3.
Variant type: single nucleotide variant.
Coding change: c.23C>G on transcript NM_001128431.4 (MANE Select); coding-DNA position 23, C replaced by G.
Protein change: p.Pro8Arg; replaces proline 8 with arginine.
Molecular consequence: missense variant.
Genome position (GRCh38, 1-based): chr8:22,404,733, C>G. VCF-style: chr8-22404733-C-G. GRCh37 (hg19) VCF-style: chr8-22262246-C-G.
Other names: c.23C>G, p.Pro8Arg (NM_001135153.3, NM_001135154.3, NM_001351655.2 and 3 more transcripts); c.53C>G, p.Pro18Arg (NM_001351657.2, NM_001351658.2, NM_001351659.2); short protein forms P18R, P8R.
Identifiers: ClinVar variation 714377 (VCV000714377.11), dbSNP rs34328787, ClinGen allele CA4667205.

ClinVar aggregate classification (germline): Conflicting classifications of pathogenicity. Review status: criteria provided, conflicting classifications (1 of 4 stars). 3 submissions from 3 submitters: Uncertain significance (1); Likely benign (2). Last evaluated 2026-01-18.

Conditions:
Inborn genetic diseases. Identifiers: MedGen C0950123, MeSH D030342.

Allele frequency attached by ClinVar (database versions not stated): 1000 Genomes Project 0.00060; 1000 Genomes Project 30x 0.00062; TOPMed 0.00147; gnomAD 0.00150; ESP Exome Variant Server 0.00154.

Submissions (3):

Labcorp Genetics (formerly Invitae), Labcorp
Classification: Likely benign. Last evaluated: 2026-01-18. Review status: criteria provided, single submitter. Criteria: Invitae Variant Classification Sherloc (09022015). Collection method: clinical testing. Allele origin: germline.

Ambry Genetics
Classification: Likely benign for Inborn genetic diseases. Last evaluated: 2025-04-11. Review status: criteria provided, single submitter. Criteria: Ambry Variant Classification Scheme 2023. Collection method: clinical testing. Allele origin: germline.

GeneDx
Classification: Uncertain significance. Last evaluated: 2022-03-12. Review status: criteria provided, single submitter. Criteria: GeneDx Variant Classification Process June 2021. Collection method: clinical testing. Allele origin: germline. Affected: yes.
Comment: In silico analysis supports that this missense variant has a deleterious effect on protein structure/function; Has not been previously published as pathogenic or benign to our knowledge